The following is an entry in ClinVar:

NM_032578.4(MYPN):c.3057del (p.Met1020fs)

Genes: MYPN (myopalladin; plus strand), LOC132089829 (Neanderthal introgressed variant-containing enhancer experimental_16132; plus strand). Cytogenetic location: 10q21.3.
Variant type: Deletion.
Coding change: c.3057del on transcript NM_032578.4 (MANE Select); coding-DNA position 3057, one base deleted (C; older notation c.3057delC).
Protein change: p.Met1020fs; shifts the reading frame from methionine 1020.
Molecular consequence: frameshift variant. On other transcripts: non-coding transcript variant (2).
Genome position (GRCh38, 1-based): chr10:68,194,494, C deleted. VCF-style (leftmost placement, unchanged base first): chr10-68194493-TC-T. GRCh37 (hg19) VCF-style: chr10-69954250-TC-T.
Other names: c.3057del, p.Met1020fs (NM_001256267.2); c.2175del, p.Met726fs (NM_001256268.2); short protein forms M1020fs, M726fs.
Identifiers: ClinVar variation 1437195 (VCV001437195.6), dbSNP rs2134278222, ClinGen allele CA2573145230.
Genomic context (GRCh38, chr10:68,194,493, plus strand): 5'-ATGGGACATGCTCTCTGCACATTGAATCCACTACCAGTGATGACGATGGCAACTACACCA[TC>T]ATGGCAGCCAACCCCCAGGTGGAGACGCAGGGTTCTGCGCTGTGCTGCACTCTGAGGAAG-3'

ClinVar aggregate classification (germline): Pathogenic (1 of 4 stars; one submission).

Conditions:
Dilated cardiomyopathy 1KK (CMD1KK). Identifiers: Orphanet 154, Orphanet 75249, MedGen C3714995, MONDO:0014100, OMIM 615248.

Submission:

Labcorp Genetics (formerly Invitae), Labcorp
Classification: Pathogenic for Dilated cardiomyopathy 1KK. Last evaluated: 2022-07-12. Review status: criteria provided, single submitter. Criteria: Invitae Variant Classification Sherloc (09022015). Collection method: clinical testing. Allele origin: germline.
Comment: For these reasons, this variant has been classified as Pathogenic. ClinVar contains an entry for this variant (Variation ID: 1437195). This variant has not been reported in the literature in individuals affected with MYPN-related conditions. This variant is not present in population databases (gnomAD no frequency). This sequence change creates a premature translational stop signal (p.Met1020Trpfs*15) in the MYPN gene. It is expected to result in an absent or disrupted protein product. Loss-of-function variants in MYPN are known to be pathogenic (PMID: 28017374).

Literature cited by the submitters: PubMed 28017374.